The following is an entry in ClinVar:

ClinVar aggregate classification (germline): Conflicting classifications of pathogenicity. Review status: criteria provided, conflicting classifications (1 of 4 stars). 4 submissions from 4 submitters: Uncertain significance (3); Likely benign (1). Last evaluated 2026-01-13.

Conditions:
Inborn genetic diseases. Identifiers: MedGen C0950123, MeSH D030342.
Recessive dystrophic epidermolysis bullosa (RDEB). Also called: Hallopeau-Siemens Disease; DYSTROPHIC EPIDERMOLYSIS BULLOSA, AUTOSOMAL RECESSIVE; EPIDERMOLYSIS BULLOSA DYSTROPHICA, HALLOPEAU-SIEMENS TYPE; EPIDERMOLYSIS BULLOSA DYSTROPHICA, GENERALIZED SEVERE, AUTOSOMAL RECESSIVE; epidermolysis bullosa dystrophica, autosomal recessive; Recessive DEB (RDEB). Identifiers: Orphanet 79408, Orphanet 79409, MedGen C0079474, MONDO:0009179, OMIM 226600.

Allele frequency attached by ClinVar (database versions not stated): TOPMed 0.00001; gnomAD 0.00005 and 0.00001; gnomAD exomes 0.00014 and 0.00006; 1000 Genomes Project 30x 0.00016; ExAC 0.00013; 1000 Genomes Project 0.00020.
gnomAD v4.1: 94 of 1,614,128 alleles (0.0058%); highest among the groups gnomAD compares: South Asian, 0.094%; 1 homozygote.

Submissions (4):

Labcorp Genetics (formerly Invitae), Labcorp
Classification: Likely benign. Last evaluated: 2026-01-13. Review status: criteria provided, single submitter. Criteria: Invitae Variant Classification Sherloc (09022015). Collection method: clinical testing. Allele origin: germline.

GeneDx
Classification: Uncertain significance. Last evaluated: 2022-01-05. Review status: criteria provided, single submitter. Criteria: GeneDx Variant Classification Process June 2021. Collection method: clinical testing. Allele origin: germline. Affected: yes.
Comment: Has not been previously published as pathogenic or benign to our knowledge; In silico analysis supports that this missense variant does not alter protein structure/function

Ambry Genetics
Classification: Uncertain significance for Inborn genetic diseases. Last evaluated: 2021-08-12. Review status: criteria provided, single submitter. Criteria: Ambry Variant Classification Scheme 2023. Collection method: clinical testing. Allele origin: germline.

Neuberg Centre For Genomic Medicine, NCGM
Classification: Uncertain significance for Recessive dystrophic epidermolysis bullosa. Review status: criteria provided, single submitter. Criteria: ACMG Guidelines, 2015. Collection method: clinical testing. Allele origin: germline. Inheritance: Autosomal recessive inheritance. Affected: yes.
Comment: The missense variant p.L2246F in COL7A1 (NM_000094.4) has not been reported previously as a pathogenic variant nor as a benign variant, to our knowledge. The variant is observed in 32/30614 (0.1045%) alleles from individuals of South Asian background in the gnomAD dataset (Exome Aggregation Consortium et al., 2016), but was not seen in the homozygous state. The variant is damaging by SIFT and PolyPhen2 and the residue is conserved across species. For these reasons, this variant has been classified as Uncertain Significance.

NM_000094.4(COL7A1):c.6738G>T (p.Leu2246Phe)

Gene: COL7A1 (collagen type VII alpha 1 chain; minus strand). Cytogenetic location: 3p21.31.
Variant type: single nucleotide variant.
Coding change: c.6738G>T on transcript NM_000094.4 (MANE Select); coding-DNA position 6738, G replaced by T.
Protein change: p.Leu2246Phe; replaces leucine 2246 with phenylalanine.
Molecular consequence: missense variant.
Genome position (GRCh38, 1-based): chr3:48,573,033, C>A on the plus strand (G>T on the coding strand, the complement: COL7A1 is on the minus strand). VCF-style: chr3-48573033-C-A. GRCh37 (hg19) VCF-style: chr3-48610466-C-A.
Other names: short protein forms L2246F.
Identifiers: ClinVar variation 1695729 (VCV001695729.8), dbSNP rs575575729, ClinGen allele CA2378857.